The following is an entry in ClinVar:

NM_006206.6(PDGFRA):c.325G>A (p.Glu109Lys)

Gene: PDGFRA (platelet derived growth factor receptor alpha; plus strand). Cytogenetic location: 4q12.
Variant type: single nucleotide variant.
Coding change: c.325G>A on transcript NM_006206.6 (MANE Select); coding-DNA position 325, G replaced by A.
Protein change: p.Glu109Lys; replaces glutamic acid 109 with lysine.
Molecular consequence: missense variant.
Genome position (GRCh38, 1-based): chr4:54,261,370, G>A. VCF-style: chr4-54261370-G-A. GRCh37 (hg19) VCF-style: chr4-55127537-G-A.
Other names: c.325G>A, p.Glu109Lys (NM_001347827.2, NM_001347829.2); c.400G>A, p.Glu134Lys (NM_001347828.2); c.364G>A, p.Glu122Lys (NM_001347830.2); short protein forms E109K, E122K, E134K.
Identifiers: ClinVar variation 655095 (VCV000655095.9), dbSNP rs1577705794, ClinGen allele CA356888957.

ClinVar aggregate classification (germline): Uncertain significance (1 of 4 stars; one submission).

Conditions:
Gastrointestinal stromal tumor. Also called: Gastrointestinal stromal tumor, somatic; Gastrointestinal stroma tumor. Identifiers: Orphanet 44890, MedGen C0238198, MeSH D046152, MONDO:0011719, OMIM 606764, HP:0100723.

Submission:

Labcorp Genetics (formerly Invitae), Labcorp
Classification: Uncertain significance for Gastrointestinal stromal tumor. Last evaluated: 2026-01-12. Review status: criteria provided, single submitter. Criteria: Invitae Variant Classification Sherloc (09022015). Collection method: clinical testing. Allele origin: germline.
Comment: This sequence change replaces glutamic acid, which is acidic and polar, with lysine, which is basic and polar, at codon 109 of the PDGFRA protein (p.Glu109Lys). This variant is not present in population databases (gnomAD no frequency). This variant has not been reported in the literature in individuals affected with PDGFRA-related conditions. ClinVar contains an entry for this variant (Variation ID: 655095). Invitae Evidence Modeling of protein sequence and biophysical properties (such as structural, functional, and spatial information, amino acid conservation, physicochemical variation, residue mobility, and thermodynamic stability) indicates that this missense variant is not expected to disrupt PDGFRA protein function with a negative predictive value of 80%. In summary, the available evidence is currently insufficient to determine the role of this variant in disease. Therefore, it has been classified as a Variant of Uncertain Significance.